The following is an entry in ClinVar:

NM_001853.4(COL9A3):c.183+5G>A

Gene: COL9A3 (collagen type IX alpha 3 chain; plus strand). Cytogenetic location: 20q13.33.
Variant type: single nucleotide variant.
Coding change: c.183+5G>A on transcript NM_001853.4 (MANE Select); 5 bases into the intron after coding-DNA position 183, G replaced by A.
Molecular consequence: intron variant.
Genome position (GRCh38, 1-based): chr20:62,818,558, G>A. VCF-style: chr20-62818558-G-A. GRCh37 (hg19) VCF-style: chr20-61449910-G-A.
Other names: IVS3DS, G-A, +5.
Identifiers: ClinVar variation 17140 (VCV000017140.3), dbSNP rs1600786748, ClinGen allele CA913189126.
Genomic context (GRCh38, chr20:62,818,558, plus strand): 5'-GTGGGTGTCTTTCCTCACAGGGAGAAGCTGGTCCTCCAGGTCTGCCTGGGCCCCCGGTGA[G>A]TGTCCCTGGCTGGGGAGACAGCCTTTTTCCAGTCTGGAGAGAAAGGGGGAACTCAGAACA-3'

ClinVar aggregate classification (germline): Likely pathogenic. Review status: criteria provided, single submitter (1 of 4 stars). 2 submissions from 2 submitters: Likely pathogenic (1). 1 of the submissions does not count toward it. Last evaluated 2024-08-21.

Conditions:
Epiphyseal dysplasia, multiple, 3 (EDM3). Also called: Epiphyseal dysplasia, multiple, 3, with or without myopathy; COL9A3-Related Multiple Epiphyseal Dysplasia. Identifiers: MedGen C1832998, MONDO:0010964, OMIM 600969.

Submissions (2):

Labcorp Genetics (formerly Invitae), Labcorp
Classification: Likely pathogenic. Last evaluated: 2024-08-21. Review status: criteria provided, single submitter. Criteria: Invitae Variant Classification Sherloc (09022015). Collection method: clinical testing. Allele origin: germline.
Comment: This sequence change falls in intron 3 of the COL9A3 gene. It does not directly change the encoded amino acid sequence of the COL9A3 protein. It affects a nucleotide within the consensus splice site. This variant is not present in population databases (gnomAD no frequency). This variant has been observed in individual(s) with multiple epiphyseal dysplasia (PMID: 15551337). It has also been observed to segregate with disease in related individuals. ClinVar contains an entry for this variant (Variation ID: 17140). Variants that disrupt the consensus splice site are a relatively common cause of aberrant splicing (PMID: 17576681, 9536098). Studies have shown that this variant is associated with inconclusive levels of altered splicing (PMID: 15551337). In summary, the currently available evidence indicates that the variant is pathogenic, but additional data are needed to prove that conclusively. Therefore, this variant has been classified as Likely Pathogenic.

OMIM
Classification: Pathogenic for EPIPHYSEAL DYSPLASIA, MULTIPLE, 3. Last evaluated: 2005-01-15. Review status: no assertion criteria provided. Collection method: literature only. Allele origin: germline. Not counted in ClinVar's aggregate classification.

Literature cited by the submitters: PubMed 15551337 (cited by Labcorp Genetics (formerly Invitae), Labcorp and OMIM); PubMed 17576681 (cited by Labcorp Genetics (formerly Invitae), Labcorp); PubMed 9536098 (cited by Labcorp Genetics (formerly Invitae), Labcorp).